The following is an entry in ClinVar:

NC_000004.12:g.6269842G>A

Genes: WFS1 (wolframin ER transmembrane glycoprotein; plus strand), LOC129992166 (ATAC-STARR-seq lymphoblastoid silent region 15229; plus strand). Cytogenetic location: 4p16.1.
Variant type: single nucleotide variant.
Genome position: GRCh38 VCF-style: chr4-6269842-G-A. GRCh37 (hg19) VCF-style: chr4-6271569-G-A.
Identifiers: ClinVar variation 4988444 (VCV004988444.1).

ClinVar aggregate classification (germline): Likely benign (1 of 4 stars; one submission).

Conditions:
WFS1-related disorder. Identifiers: MedGen CN379391, MONDO:0700293.

Submission:

PreventionGenetics, part of Exact Sciences
Classification: Likely benign for WFS1-related condition. Last evaluated: 2026-04-01. Review status: criteria provided, single submitter. Criteria: ACMG Guidelines, 2015. Collection method: clinical testing. Allele origin: germline.
Comment: This variant is classified as likely benign based on ACMG/AMP sequence variant interpretation guidelines (Richards et al. 2015 PMID: 25741868, with internal and published modifications).